The following is an entry in ClinVar:

NM_014244.5(ADAMTS2):c.1906C>T (p.His636Tyr)

Gene: ADAMTS2 (ADAM metallopeptidase with thrombospondin type 1 motif 2; minus strand). Cytogenetic location: 5q35.3.
Variant type: single nucleotide variant.
Coding change: c.1906C>T on transcript NM_014244.5 (MANE Select); coding-DNA position 1906, C replaced by T.
Protein change: p.His636Tyr; replaces histidine 636 with tyrosine.
Molecular consequence: missense variant.
Genome position (GRCh38, 1-based): chr5:179,137,814, G>A on the plus strand (C>T on the coding strand, the complement: ADAMTS2 is on the minus strand). VCF-style: chr5-179137814-G-A. GRCh37 (hg19) VCF-style: chr5-178564815-G-A.
Other names: c.1906C>T (NM_014244.4); short protein forms H636Y.
Identifiers: ClinVar variation 2191988 (VCV002191988.2), dbSNP rs778646166, ClinGen allele CA3595750.

ClinVar aggregate classification (germline): Uncertain significance. Review status: criteria provided, multiple submitters, no conflicts (2 of 4 stars). 2 submissions from 2 submitters: Uncertain significance (2). Last evaluated 2026-05-14.

Conditions:
Ehlers-Danlos syndrome, dermatosparaxis type. Also called: Ehlers-Danlos syndrome, type VII, autosomal recessive; EDS VIIC; Dermatosparaxis. Identifiers: Orphanet 1901, MedGen C2700425, MONDO:0009161, OMIM 225410.
Inborn genetic diseases. Identifiers: MedGen C0950123, MeSH D030342.

Allele frequency attached by ClinVar (database versions not stated): gnomAD 0.00001; gnomAD exomes 0.00001; ExAC 0.00019.
gnomAD v4.1: 13 of 1,580,376 alleles (0.00082%); highest among the groups gnomAD compares: Admixed American, 0.021%; no homozygotes.

Submissions (2):

Ambry Genetics
Classification: Uncertain significance for Inborn genetic diseases. Last evaluated: 2026-05-14. Review status: criteria provided, single submitter. Criteria: Ambry Variant Classification Scheme 2023. Collection method: clinical testing. Allele origin: germline.
Comment: The c.1906C>T (p.H636Y) alteration is located in exon 12 (coding exon 12) of the ADAMTS2 gene. This alteration results from a C to T substitution at nucleotide position 1906, causing the histidine (H) at amino acid position 636 to be replaced by a tyrosine (Y). Based on data from gnomAD, the T allele has an overall frequency of 0.005% (10/194322) total alleles studied. The highest observed frequency was 0.033% (10/29978) of Latino alleles. Based on insufficient or conflicting evidence, the clinical significance of this alteration remains unclear.

Labcorp Genetics (formerly Invitae), Labcorp
Classification: Uncertain significance for Ehlers-Danlos syndrome, dermatosparaxis type. Last evaluated: 2021-09-17. Review status: criteria provided, single submitter. Criteria: Invitae Variant Classification Sherloc (09022015). Collection method: clinical testing. Allele origin: germline.
Comment: This sequence change replaces histidine with tyrosine at codon 636 of the ADAMTS2 protein (p.His636Tyr). The histidine residue is highly conserved and there is a moderate physicochemical difference between histidine and tyrosine. This variant is present in population databases (rs778646166, ExAC 0.2%). This variant has not been reported in the literature in individuals with ADAMTS2-related disease. Algorithms developed to predict the effect of missense changes on protein structure and function (SIFT, PolyPhen-2, Align-GVGD) all suggest that this variant is likely to be tolerated, but these predictions have not been confirmed by published functional studies and their clinical significance is uncertain. Algorithms developed to predict the effect of sequence changes on RNA splicing suggest that this variant may create or strengthen a splice site, but this prediction has not been confirmed by published transcriptional studies. In summary, the available evidence is currently insufficient to determine the role of this variant in disease. Therefore, it has been classified as a Variant of Uncertain Significance.